The following is an entry in ClinVar:

ClinVar aggregate classification (germline): Uncertain significance. Review status: criteria provided, multiple submitters, no conflicts (2 of 4 stars). 2 submissions from 2 submitters: Uncertain significance (2). Last evaluated 2025-01-20.

Conditions:
Inborn genetic diseases. Identifiers: MedGen C0950123, MeSH D030342.

Allele frequency attached by ClinVar (database versions not stated): ExAC 0.00002; gnomAD exomes 0.00002.
gnomAD v4.1: 53 of 1,614,120 alleles (0.0033%); highest among the groups gnomAD compares: Admixed American, 0.005%; no homozygotes.

Submissions (2):

Ambry Genetics
Classification: Uncertain significance for Inborn genetic diseases. Last evaluated: 2025-01-20. Review status: criteria provided, single submitter. Criteria: Ambry Variant Classification Scheme 2023. Collection method: clinical testing. Allele origin: germline.

Labcorp Genetics (formerly Invitae), Labcorp
Classification: Uncertain significance. Last evaluated: 2021-12-06. Review status: criteria provided, single submitter. Criteria: Invitae Variant Classification Sherloc (09022015). Collection method: clinical testing. Allele origin: germline.
Comment: In summary, the available evidence is currently insufficient to determine the role of this variant in disease. Therefore, it has been classified as a Variant of Uncertain Significance. Algorithms developed to predict the effect of missense changes on protein structure and function are either unavailable or do not agree on the potential impact of this missense change (SIFT: "Not Available"; PolyPhen-2: "Benign"; Align-GVGD: "Not Available"). This variant has not been reported in the literature in individuals affected with UNC45A-related conditions. This variant is present in population databases (rs764140964, gnomAD 0.01%). This sequence change replaces lysine, which is basic and polar, with threonine, which is neutral and polar, at codon 124 of the UNC45A protein (p.Lys124Thr).

NM_018671.5(UNC45A):c.371A>C (p.Lys124Thr)

Gene: UNC45A (unc-45 myosin chaperone A; plus strand). Cytogenetic location: 15q26.1.
Variant type: single nucleotide variant.
Coding change: c.371A>C on transcript NM_018671.5 (MANE Select); coding-DNA position 371, A replaced by C.
Protein change: p.Lys124Thr; replaces lysine 124 with threonine.
Molecular consequence: missense variant. On other transcripts: 5 prime UTR variant (1).
Genome position (GRCh38, 1-based): chr15:90,936,405, A>C. VCF-style: chr15-90936405-A-C. GRCh37 (hg19) VCF-style: chr15-91479635-A-C.
Other names: c.326A>C, p.Lys109Thr (NM_001039675.2, NM_001323621.2); c.371A>C, p.Lys124Thr (NM_001323619.1); c.-65A>C (NM_001323620.2); c.371A>C (NM_018671.3); short protein forms K124T, K109T.
Identifiers: ClinVar variation 1468556 (VCV001468556.7), dbSNP rs764140964, ClinGen allele CA7742509.
Genomic context (GRCh38, chr15:90,936,405, plus strand): 5'-AGCTGGGCCGCCTGGACCAGGCTGTCCTTGACCTGCAGAGATGTGTGAGCTTGGAGCCCA[A>C]GAACAAAGTTTTCCAGGAGGCCTTGCGGAACATCGGGGGCCAGATTCAGGAGAAGGTATG-3'
Protein context (NP_061141.2, residues 114-134): DLQRCVSLEP[Lys124Thr]NKVFQEALRN